The following is an entry in ClinVar:

ClinVar aggregate classification (germline): Pathogenic/Likely pathogenic. Review status: criteria provided, multiple submitters, no conflicts (2 of 4 stars). 2 submissions from 2 submitters: Pathogenic (1); Likely pathogenic (1). Last evaluated 2025-01-15.

Conditions:
Pheochromocytoma/paraganglioma syndrome 3. Also called: GLOMUS TUMORS, FAMILIAL, 3; SDHC-Related Hereditary Paraganglioma-Pheochromocytoma Syndrome; SDHC-Related Hereditary Paraganglioma-Pheochromocytoma Syndrome (Paragangliomas 3); Paragangliomas 3. Identifiers: Orphanet 29072, MedGen C1854336, MONDO:0011544, OMIM 605373.
Gastrointestinal stromal tumor. Also called: Gastrointestinal stroma tumor; Gastrointestinal stromal tumor, somatic. Identifiers: Orphanet 44890, MedGen C0238198, MeSH D046152, MONDO:0011719, OMIM 606764, HP:0100723.

Submissions (2):

Labcorp Genetics (formerly Invitae), Labcorp
Classification: Pathogenic for Pheochromocytoma/paraganglioma syndrome 3; Gastrointestinal stromal tumor. Last evaluated: 2025-01-15. Review status: criteria provided, single submitter. Criteria: Invitae Variant Classification Sherloc (09022015). Collection method: clinical testing. Allele origin: germline.
Comment: This sequence change affects an acceptor splice site in intron 2 of the SDHC gene. RNA analysis indicates that disruption of this splice site induces altered splicing and may result in an absent or altered protein product. This variant is not present in population databases (gnomAD no frequency). Disruption of this splice site has been observed in individuals with SDHC-related condition (internal data). ClinVar contains an entry for this variant (Variation ID: 1722989). Studies have shown that disruption of this splice site results in skipping of exon 3, and produces a non-functional protein and/or introduces a premature termination codon (internal data). For these reasons, this variant has been classified as Pathogenic.

GeneDx
Classification: Likely pathogenic. Last evaluated: 2022-05-06. Review status: criteria provided, single submitter. Criteria: GeneDx Variant Classification Process June 2021. Collection method: clinical testing. Allele origin: germline. Affected: yes.
Comment: Canonical splice site variant expected to result in aberrant splicing, although in the absence of functional evidence the actual effect of this sequence change is unknown; Not observed at significant frequency in large population cohorts (gnomAD); This variant is associated with the following publications: (PMID: 25525159, 18212813)

NM_003001.5(SDHC):c.78-2A>G

Gene: SDHC (succinate dehydrogenase complex subunit C; plus strand). Cytogenetic location: 1q23.3.
Variant type: single nucleotide variant.
Coding change: c.78-2A>G on transcript NM_003001.5 (MANE Select); the canonical splice acceptor site of the intron before coding-DNA position 78, A replaced by G.
Molecular consequence: splice acceptor variant. On other transcripts: intron variant (4).
Genome position (GRCh38, 1-based): chr1:161,328,394, A>G. VCF-style: chr1-161328394-A-G. GRCh37 (hg19) VCF-style: chr1-161298184-A-G.
Other names: c.-34-2A>G (NM_001407119.1, NM_001407120.1); c.78-2A>G (NM_001407115.1, NM_001035511.3); c.77+4724A>G (NM_001035512.3, NM_001278172.3, NM_001407118.1); c.21-2A>G (NM_001407116.1, NM_001407121.1, NM_001407117.1); c.21-12200A>G (NM_001035513.3).
Identifiers: ClinVar variation 1722989 (VCV001722989.5), dbSNP rs2102307538, ClinGen allele CA343360796.